The following is an entry in ClinVar:

ClinVar aggregate classification (germline): Uncertain significance. Review status: criteria provided, multiple submitters, no conflicts (2 of 4 stars). 3 submissions from 3 submitters: Uncertain significance (3). Last evaluated 2025-11-27.

Conditions:
Early-infantile DEE. Also called: Early infantile epileptic encephalopathy; Early infantile epileptic encephalopathy with suppression bursts; Ohtahara syndrome. Identifiers: Orphanet 1934, MedGen C0393706, MONDO:0800491.
Inborn genetic diseases. Identifiers: MedGen C0950123, MeSH D030342.

Allele frequency attached by ClinVar (database versions not stated): gnomAD exomes 0.00004 and 0.00006; TOPMed 0.00004; gnomAD 0.00005; ExAC 0.00006; ESP Exome Variant Server 0.00008.
gnomAD v4.1: 66 of 1,613,368 alleles (0.0041%); highest among the groups gnomAD compares: Non-Finnish European, 0.0055%; no homozygotes.

Submissions (3):

Labcorp Genetics (formerly Invitae), Labcorp
Classification: Uncertain significance for Early-infantile DEE. Last evaluated: 2025-11-27. Review status: criteria provided, single submitter. Criteria: Invitae Variant Classification Sherloc (09022015). Collection method: clinical testing. Allele origin: germline.
Comment: This sequence change replaces serine, which is neutral and polar, with alanine, which is neutral and non-polar, at codon 1021 of the CACNA2D2 protein (p.Ser1021Ala). This variant is present in population databases (rs145135167, gnomAD 0.01%). This variant has not been reported in the literature in individuals affected with CACNA2D2-related conditions. ClinVar contains an entry for this variant (Variation ID: 842935). An algorithm developed to predict the effect of missense changes on protein structure and function (PolyPhen-2) suggests that this variant is likely to be tolerated. In summary, the available evidence is currently insufficient to determine the role of this variant in disease. Therefore, it has been classified as a Variant of Uncertain Significance.

Blueprint Genetics
Classification: Uncertain significance. Last evaluated: 2024-11-18. Review status: criteria provided, single submitter. Criteria: ACMG Guidelines, 2015. Collection method: clinical testing. Allele origin: germline.

Ambry Genetics
Classification: Uncertain significance for Inborn genetic diseases. Last evaluated: 2023-06-23. Review status: criteria provided, single submitter. Criteria: Ambry Variant Classification Scheme 2023. Collection method: clinical testing. Allele origin: germline.

NM_006030.4(CACNA2D2):c.3061T>G (p.Ser1021Ala)

Genes: CACNA2D2 (calcium voltage-gated channel auxiliary subunit alpha2delta 2; minus strand), LOC101928965 (uncharacterized LOC101928965; plus strand), LOC127898564 (CYB561D2-LOC101928965; plus strand). Cytogenetic location: 3p21.31.
Variant type: single nucleotide variant.
Coding change: c.3061T>G on transcript NM_006030.4 (MANE Select); coding-DNA position 3061, T replaced by G.
Protein change: p.Ser1021Ala; replaces serine 1021 with alanine.
Molecular consequence: missense variant. On other transcripts: non-coding transcript variant (2).
Genome position (GRCh38, 1-based): chr3:50,365,393, A>C on the plus strand (T>G on the coding strand, the complement: CACNA2D2 is on the minus strand). VCF-style: chr3-50365393-A-C. GRCh37 (hg19) VCF-style: chr3-50402824-A-C.
Other names: c.3061T>G, p.Ser1021Ala (NM_001005505.3); c.3082T>G, p.Ser1028Ala (NM_001174051.3); c.2854T>G, p.Ser952Ala (NM_001291101.1); c.3082T>G (NM_001174051.1); short protein forms S1021A, S1028A, S952A.
Identifiers: ClinVar variation 842935 (VCV000842935.9), dbSNP rs145135167, ClinGen allele CA2418245.
Genomic context (GRCh38, chr3:50,365,393, plus strand): 5'-TGGTCCCGCCCCACTGCCAGCACCTGGAGCAGTTTCCGCAGTCGATGATGGCGTTGTAGG[A>C]GGCGTTTACCGAGCCGAAGTAGTACTGGGTCTGTTTCATGACGCAGCTGCTCTCGCGCGT-3'
Protein context (NP_006021.2, residues 1011-1031): TQYYFGSVNA[Ser1021Ala]YNAIIDCGNC